The following is an entry in ClinVar:

ClinVar aggregate classification (germline): Uncertain significance. Review status: criteria provided, multiple submitters, no conflicts (2 of 4 stars). 2 submissions from 2 submitters: Uncertain significance (2). Last evaluated 2024-07-30.

Conditions:
Cardiomyopathy (CMYO). Also called: Cardiomyopathies. Identifiers: Orphanet 167848, MedGen C0878544, MONDO:0004994, HP:0001638. Inheritance: Various modes of inheritance.
Hypertrophic cardiomyopathy. Also called: HYPERTROPHIC MYOCARDIOPATHY. Identifiers: Orphanet 217569, MedGen C0007194, MeSH D002312, MONDO:0005045, HP:0001639.

Submissions (2):

Labcorp Genetics (formerly Invitae), Labcorp
Classification: Uncertain significance for Hypertrophic cardiomyopathy. Last evaluated: 2024-07-30. Review status: criteria provided, single submitter. Criteria: Invitae Variant Classification Sherloc (09022015). Collection method: clinical testing. Allele origin: germline.
Comment: This sequence change replaces lysine, which is basic and polar, with glutamine, which is neutral and polar, at codon 1729 of the MYH7 protein (p.Lys1729Gln). This variant is not present in population databases (gnomAD no frequency). This variant has not been reported in the literature in individuals affected with MYH7-related conditions. Advanced modeling of protein sequence and biophysical properties (such as structural, functional, and spatial information, amino acid conservation, physicochemical variation, residue mobility, and thermodynamic stability) performed at Invitae indicates that this missense variant is expected to disrupt MYH7 protein function with a positive predictive value of 95%. In summary, the available evidence is currently insufficient to determine the role of this variant in disease. Therefore, it has been classified as a Variant of Uncertain Significance.

All of Us Research Program, National Institutes of Health
Classification: Uncertain significance for Cardiomyopathy. Last evaluated: 2024-07-20. Review status: criteria provided, single submitter. Criteria: ACMG Guidelines, 2015. Collection method: clinical testing. Allele origin: germline. Inheritance: Autosomal dominant inheritance. Observed: 1 variant allele, 1 heterozygote.
Comment: This missense variant replaces lysine with glutamine at codon 1729 of the MYH7 protein. Computational prediction suggests that this variant may have deleterious impact on protein structure and function (internally defined REVEL score threshold >= 0.7, PMID: 27666373). To our knowledge, functional studies have not been reported for this variant. This variant has not been reported in individuals affected with MYH7-related disorders in the literature. This variant has not been identified in the general population by the Genome Aggregation Database (gnomAD). The available evidence is insufficient to determine the role of this variant in disease conclusively. Therefore, this variant is classified as a Variant of Uncertain Significance.

This study involves interpretation of variants in research participants for the purpose of population health screening. Participant phenotype was not available at the time of variant classification. Additional details can be found in publication PMID: 35346344, PMCID: PMC8962531

NM_000257.4(MYH7):c.5185A>C (p.Lys1729Gln)

Genes: MHRT (myosin heavy chain associated RNA transcript; plus strand), MYH7 (myosin heavy chain 7; minus strand), LOC126861897 (BRD4-independent group 4 enhancer GRCh37_chr14:23884455-23885654; plus strand). Cytogenetic location: 14q11.2.
Variant type: single nucleotide variant.
Coding change: c.5185A>C on transcript NM_000257.4 (MANE Select); coding-DNA position 5185, A replaced by C.
Protein change: p.Lys1729Gln; replaces lysine 1729 with glutamine.
Molecular consequence: missense variant. On other transcripts: non-coding transcript variant (1).
Genome position (GRCh38, 1-based): chr14:23,415,479, T>G on the plus strand (A>C on the coding strand, the complement: MYH7 is on the minus strand). VCF-style: chr14-23415479-T-G. GRCh37 (hg19) VCF-style: chr14-23884688-T-G.
Other names: c.5185A>C, p.Lys1729Gln (NM_001407004.1); short protein forms K1729Q.
Identifiers: ClinVar variation 3387285 (VCV003387285.3).
Genomic context (GRCh38, chr14:23,415,479, plus strand): 5'-TGCACTCCTGCACTGCCTCCTCCACTTCAGTCTGGAGCTGGGACAGGTCAGCATCCATCT[T>G]CTTCTTCTGGTTGATGAGGCTGGTGTTCTGGGTTGGGGGAGGGTTGGGCAGAGCAGGAAA-3'
Protein context (NP_000248.2, residues 1719-1739): QNTSLINQKK[Lys1729Gln]MDADLSQLQT